The following is an entry in ClinVar:

ClinVar aggregate classification (germline): Likely benign (1 of 4 stars; one submission).

gnomAD v4.1: 1 of 1,613,958 alleles (0.000062%); highest among the groups gnomAD compares: Non-Finnish European, 0.000085%; no homozygotes.

Submission:

CeGaT Center for Human Genetics Tuebingen
Classification: Likely benign. Last evaluated: 2025-09-01. Review status: criteria provided, single submitter. Criteria: CeGaT Center For Human Genetics Tuebingen Variant Classification Criteria Version 2. Collection method: clinical testing. Allele origin: germline. Affected: yes. Observed: 1 variant allele.
Comment: TLN1: BP4, BP7

NM_006289.4(TLN1):c.7215C>T (p.Asn2405=)

Gene: TLN1 (talin 1; minus strand). Cytogenetic location: 9p13.3.
Variant type: single nucleotide variant.
Coding change: c.7215C>T on transcript NM_006289.4 (MANE Select); coding-DNA position 7215, C replaced by T.
Protein change: p.Asn2405=; no amino-acid change (asparagine 2405 retained).
Molecular consequence: synonymous variant.
Genome position (GRCh38, 1-based): chr9:35,698,479, G>A on the plus strand (C>T on the coding strand, the complement: TLN1 is on the minus strand). VCF-style: chr9-35698479-G-A. GRCh37 (hg19) VCF-style: chr9-35698476-G-A.
Identifiers: ClinVar variation 4281576 (VCV004281576.7).
Genomic context (GRCh38, chr9:35,698,479, plus strand): 5'-GATGAGCTTCTCCTGGCTGGCATGGCCTTGTACAGCTGCATTGGCTGCCTCACACAGATT[G>A]TTGGTGGCCGCAGCCACCATCCGGGCCTAAAGCAGGGAGAGTTTGCTTAAAAATATGCCC-3'
Protein context (NP_006280.3, residues 2395-2415): SAARMVAAAT[Asn2405=]NLCEAANAAV